The following is an entry in ClinVar:

NM_000384.3(APOB):c.9176G>C (p.Arg3059Pro)

Gene: APOB (apolipoprotein B; minus strand). Cytogenetic location: 2p24.1.
Variant type: single nucleotide variant.
Coding change: c.9176G>C on transcript NM_000384.3 (MANE Select); coding-DNA position 9176, G replaced by C.
Protein change: p.Arg3059Pro; replaces arginine 3059 with proline.
Molecular consequence: missense variant.
Genome position (GRCh38, 1-based): chr2:21,007,692, C>G on the plus strand (G>C on the coding strand, the complement: APOB is on the minus strand). VCF-style: chr2-21007692-C-G. GRCh37 (hg19) VCF-style: chr2-21230564-C-G.
Other names: short protein forms R3059P.
Identifiers: ClinVar variation 2947359 (VCV002947359.3), dbSNP rs781645624, ClinGen allele CA345990882.

ClinVar aggregate classification (germline): Uncertain significance (1 of 4 stars; one submission).

Conditions:
Familial hypobetalipoproteinemia 1. Also called: APOB-Related Familial Hypobetalipoproteinemia; Hypobetalipoproteinemia, normotriglyceridemic; Acanthocytosis with hypobetalipoproteinemia. Identifiers: MedGen C4551990, MONDO:0014252, OMIM 615558.
Hypercholesterolemia, autosomal dominant, type B (FHCL2). Also called: Familial Hypercholesterolemia Type B; APOLIPOPROTEIN B-100, FAMILIAL DEFECTIVE; APOLIPOPROTEIN B-100, FAMILIAL LIGAND-DEFECTIVE; HYPERCHOLESTEROLEMIA, FAMILIAL, DUE TO LIGAND-DEFECTIVE APOLIPOPROTEIN B; Hyperlipoproteinemia Type IIb; Familial hypercholesterolemia 2. Identifiers: MedGen C1704417, MONDO:0007751, OMIM 144010.

Submission:

Labcorp Genetics (formerly Invitae), Labcorp
Classification: Uncertain significance for Familial hypobetalipoproteinemia 1; Hypercholesterolemia, autosomal dominant, type B. Last evaluated: 2023-05-01. Review status: criteria provided, single submitter. Criteria: Invitae Variant Classification Sherloc (09022015). Collection method: clinical testing. Allele origin: germline.
Comment: This sequence change replaces arginine, which is basic and polar, with proline, which is neutral and non-polar, at codon 3059 of the APOB protein (p.Arg3059Pro). This variant is not present in population databases (gnomAD no frequency). In summary, the available evidence is currently insufficient to determine the role of this variant in disease. Therefore, it has been classified as a Variant of Uncertain Significance. This variant disrupts the p.Arg3059 amino acid residue in APOB. Other variant(s) that disrupt this residue have been determined to be pathogenic (PMID: 22408029, 31447099, 33269076). This suggests that this residue is clinically significant, and that variants that disrupt this residue are likely to be disease-causing. Advanced modeling of protein sequence and biophysical properties (such as structural, functional, and spatial information, amino acid conservation, physicochemical variation, residue mobility, and thermodynamic stability) performed at Invitae indicates that this missense variant is not expected to disrupt APOB protein function. This variant has not been reported in the literature in individuals affected with APOB-related conditions.

Literature cited by the submitters: PubMed 22408029; PubMed 31447099; PubMed 33269076.